The following is an entry in ClinVar:

ClinVar aggregate classification (germline): Uncertain significance (1 of 4 stars; one submission).

Conditions:
Combined immunodeficiency due to OX40 deficiency. Also called: OX40 DEFICIENCY; Immunodeficiency 16. Identifiers: Orphanet 431149, MedGen C3810053, MONDO:0014268, OMIM 615593.

Allele frequency attached by ClinVar (database versions not stated): TOPMed 0.00002; gnomAD 0.00004.
gnomAD v4.1: 35 of 1,585,256 alleles (0.0022%); highest among the groups gnomAD compares: African/African-American, 0.0067%; no homozygotes.

Submission:

Labcorp Genetics (formerly Invitae), Labcorp
Classification: Uncertain significance for Combined immunodeficiency due to OX40 deficiency. Last evaluated: 2025-09-07. Review status: criteria provided, single submitter. Criteria: Invitae Variant Classification Sherloc (09022015). Collection method: clinical testing. Allele origin: germline.
Comment: This sequence change replaces arginine, which is basic and polar, with tryptophan, which is neutral and slightly polar, at codon 205 of the TNFRSF4 protein (p.Arg205Trp). The frequency data for this variant in the population databases is considered unreliable, as metrics indicate poor data quality at this position in the gnomAD database. This variant has not been reported in the literature in individuals affected with TNFRSF4-related conditions. ClinVar contains an entry for this variant (Variation ID: 950925). An algorithm developed to predict the effect of missense changes on protein structure and function (PolyPhen-2) suggests that this variant is likely to be tolerated. In summary, the available evidence is currently insufficient to determine the role of this variant in disease. Therefore, it has been classified as a Variant of Uncertain Significance.

NM_003327.4(TNFRSF4):c.613C>T (p.Arg205Trp)

Gene: TNFRSF4 (TNF receptor superfamily member 4; minus strand). Cytogenetic location: 1p36.33.
Variant type: single nucleotide variant.
Coding change: c.613C>T on transcript NM_003327.4 (MANE Select); coding-DNA position 613, C replaced by T.
Protein change: p.Arg205Trp; replaces arginine 205 with tryptophan.
Molecular consequence: missense variant.
Genome position (GRCh38, 1-based): chr1:1,211,963, G>A on the plus strand (C>T on the coding strand, the complement: TNFRSF4 is on the minus strand). VCF-style: chr1-1211963-G-A. GRCh37 (hg19) VCF-style: chr1-1147343-G-A.
Other names: short protein forms R205W.
Identifiers: ClinVar variation 950925 (VCV000950925.7), dbSNP rs773180013, ClinGen allele CA512411.